The following is an entry in ClinVar:

NM_001330078.2(NRXN1):c.2534A>G (p.His845Arg)

Gene: NRXN1 (neurexin 1; minus strand). Cytogenetic location: 2p16.3.
Variant type: single nucleotide variant.
Coding change: c.2534A>G on transcript NM_001330078.2 (MANE Select); coding-DNA position 2534, A replaced by G.
Protein change: p.His845Arg; replaces histidine 845 with arginine.
Molecular consequence: missense variant.
Genome position (GRCh38, 1-based): chr2:50,497,678, T>C on the plus strand (A>G on the coding strand, the complement: NRXN1 is on the minus strand). VCF-style: chr2-50497678-T-C. GRCh37 (hg19) VCF-style: chr2-50724816-T-C.
Other names: c.2654A>G, p.His885Arg (NM_001135659.3); c.2510A>G, p.His837Arg (NM_001330077.2, NM_001330082.2); c.2468A>G, p.His823Arg (NM_001330083.2, NM_001330084.2); c.2507A>G, p.His836Arg (NM_001330085.2); c.2534A>G, p.His845Arg (NM_001330086.2, NM_004801.6); c.2423A>G, p.His808Arg (NM_001330087.2, NM_001330096.2); c.2453A>G, p.His818Arg (NM_001330088.2); c.2531A>G, p.His844Arg (NM_001330093.2); and 2 more; short protein forms H808R, H818R, H823R, H845R, H837R, H828R, H836R, H841R.
Identifiers: ClinVar variation 839144 (VCV000839144.11), dbSNP rs768003967, ClinGen allele CA1654768.

ClinVar aggregate classification (germline): Uncertain significance. Review status: criteria provided, multiple submitters, no conflicts (2 of 4 stars). 3 submissions from 3 submitters: Uncertain significance (3). Last evaluated 2026-02-03.

Conditions:
Inborn genetic diseases. Identifiers: MedGen C0950123, MeSH D030342.
Pitt-Hopkins-like syndrome 2 (PTHSL2). Identifiers: Orphanet 221150, Orphanet 600663, MedGen C3280479, MONDO:0013690, OMIM 614325.

Allele frequency attached by ClinVar (database versions not stated): TOPMed below 0.00001; gnomAD 0.00001; gnomAD exomes 0.00001; ExAC 0.00002.
gnomAD v4.1: 15 of 1,613,674 alleles (0.00093%); highest among the groups gnomAD compares: Non-Finnish European, 0.0012%; no homozygotes.

Submissions (3):

Labcorp Genetics (formerly Invitae), Labcorp
Classification: Uncertain significance for Pitt-Hopkins-like syndrome 2. Last evaluated: 2026-02-03. Review status: criteria provided, single submitter. Criteria: Invitae Variant Classification Sherloc (09022015). Collection method: clinical testing. Allele origin: germline.
Comment: This sequence change replaces histidine, which is basic and polar, with arginine, which is basic and polar, at codon 885 of the NRXN1 protein (p.His885Arg). This variant is present in population databases (rs768003967, gnomAD 0.002%). This variant has not been reported in the literature in individuals affected with NRXN1-related conditions. ClinVar contains an entry for this variant (Variation ID: 839144). An algorithm developed to predict the effect of missense changes on protein structure and function (PolyPhen-2) suggests that this variant is likely to be disruptive. In summary, the available evidence is currently insufficient to determine the role of this variant in disease. Therefore, it has been classified as a Variant of Uncertain Significance.

Ambry Genetics
Classification: Uncertain significance for Inborn genetic diseases. Last evaluated: 2025-06-24. Review status: criteria provided, single submitter. Criteria: Ambry Variant Classification Scheme 2023. Collection method: clinical testing. Allele origin: germline.

GeneDx
Classification: Uncertain significance. Last evaluated: 2023-09-26. Review status: criteria provided, single submitter. Criteria: GeneDx Variant Classification Process June 2021. Collection method: clinical testing. Allele origin: germline. Affected: yes.
Comment: In silico analysis supports that this missense variant has a deleterious effect on protein structure/function; Has not been previously published as pathogenic or benign to our knowledge